The following is an entry in ClinVar:

ClinVar aggregate classification (germline): Likely benign. Review status: criteria provided, multiple submitters, no conflicts (2 of 4 stars). 2 submissions from 2 submitters: Likely benign (2). Last evaluated 2025-10-21.

Conditions:
LRP5-related disorder. Also called: LRP5-related condition.

Allele frequency attached by ClinVar (database versions not stated): gnomAD exomes 0.00001 and 0.00002; ExAC 0.00002; gnomAD 0.00002; TOPMed 0.00002.
gnomAD v4.1: 24 of 1,613,950 alleles (0.0015%); highest among the groups gnomAD compares: East Asian, 0.0022%; no homozygotes.

Submissions (2):

Labcorp Genetics (formerly Invitae), Labcorp
Classification: Likely benign. Last evaluated: 2025-10-21. Review status: criteria provided, single submitter. Criteria: Invitae Variant Classification Sherloc (09022015). Collection method: clinical testing. Allele origin: germline.

PreventionGenetics, part of Exact Sciences
Classification: Likely benign for LRP5-related condition. Last evaluated: 2024-10-28. Review status: criteria provided, single submitter. Criteria: ACMG Guidelines, 2015. Collection method: clinical testing. Allele origin: germline.
Comment: This variant is classified as likely benign based on ACMG/AMP sequence variant interpretation guidelines (Richards et al. 2015 PMID: 25741868, with internal and published modifications).

NM_002335.4(LRP5):c.1758C>T (p.Pro586=)

Gene: LRP5 (LDL receptor related protein 5; plus strand). Cytogenetic location: 11q13.2.
Variant type: single nucleotide variant.
Coding change: c.1758C>T on transcript NM_002335.4 (MANE Select); coding-DNA position 1758, C replaced by T.
Protein change: p.Pro586=; no amino-acid change (proline 586 retained).
Molecular consequence: synonymous variant. On other transcripts: 5 prime UTR variant (1).
Genome position (GRCh38, 1-based): chr11:68,403,656, C>T. VCF-style: chr11-68403656-C-T. GRCh37 (hg19) VCF-style: chr11-68171124-C-T.
Other names: c.-180C>T (NM_001291902.2); c.1758C>T (NM_002335.3).
Identifiers: ClinVar variation 1116619 (VCV001116619.10), dbSNP rs751940504, ClinGen allele CA6149421.